The following is an entry in ClinVar:

NM_000070.3(CAPN3):c.2440-1G>T

Gene: CAPN3 (calpain 3; plus strand). Cytogenetic location: 15q15.1.
Variant type: single nucleotide variant.
Coding change: c.2440-1G>T on transcript NM_000070.3 (MANE Select); the canonical splice acceptor site of the intron before coding-DNA position 2440, G replaced by T.
Molecular consequence: splice acceptor variant.
Genome position (GRCh38, 1-based): chr15:42,411,746, G>T. VCF-style: chr15-42411746-G-T. GRCh37 (hg19) VCF-style: chr15-42703944-G-T.
Other names: c.2422-1G>T (NM_024344.2); c.2164-1G>T (NM_173087.2); c.904-1G>T (NM_173088.2); c.445-1G>T (NM_173090.2, NM_173089.2).
Identifiers: ClinVar variation 4063947 (VCV004063947.2).

ClinVar aggregate classification (germline): Likely pathogenic (1 of 4 stars; one submission).

Conditions:
Autosomal recessive limb-girdle muscular dystrophy type 2A (LGMDR1). Also called: LEYDEN-MOEBIUS MUSCULAR DYSTROPHY; MUSCULAR DYSTROPHY, PELVOFEMORAL; Limb-girdle muscular dystrophy, type 2A; Calpainopathy; Muscular dystrophy, limb-girdle, type 2A, Amish. Identifiers: Orphanet 267, MedGen C1869123, MONDO:0009675, OMIM 253600. Disease mechanism: loss of function.

Submission:

Natera, Inc.
Classification: Likely pathogenic for Limb-girdle muscular dystrophy type 2A. Last evaluated: 2025-04-24. Review status: criteria provided, single submitter. Criteria: Natera Variant Classification Schema (03/2026). Collection method: clinical testing. Allele origin: germline.
Comment: The c.2440-1G>T variant in CAPN3 is a canonical splice acceptor site variant predicted to affect pre-mRNA splicing, which may result in an abnormal transcript and altered protein product. This variant may result in a truncated or dysfunctional protein product. This variant is rare in the general population with a frequency below the threshold expected for the associated phenotype(s). This variant has been observed in one or more individuals affected with the associated recessive disease, as either homozygous or compound heterozygous with a second variant (PMID: 26886200). Given the available evidence, this variant is classified as Likely Pathogenic.

Literature cited by the submitters: PubMed 26886200.